The following is an entry in ClinVar:

NM_031220.4(PITPNM3):c.2196G>T (p.Leu732Phe)

Gene: PITPNM3 (PITPNM family member 3; minus strand). Cytogenetic location: 17p13.2.
Variant type: single nucleotide variant.
Coding change: c.2196G>T on transcript NM_031220.4 (MANE Select); coding-DNA position 2196, G replaced by T.
Protein change: p.Leu732Phe; replaces leucine 732 with phenylalanine.
Molecular consequence: missense variant.
Genome position (GRCh38, 1-based): chr17:6,463,842, C>A on the plus strand (G>T on the coding strand, the complement: PITPNM3 is on the minus strand). VCF-style: chr17-6463842-C-A. GRCh37 (hg19) VCF-style: chr17-6367162-C-A.
Other names: c.2088G>T, p.Leu696Phe (NM_001165966.2); short protein forms L732F, L696F.
Identifiers: ClinVar variation 971178 (VCV000971178.9), dbSNP rs1047815968, ClinGen allele CA287308549.
Genomic context (GRCh38, chr17:6,463,842, plus strand): 5'-AGACACGCTGGCCGCGAAGGACCCATCAATGCTGAACACTACACACTCCATGCCCCTGGG[C>A]AACACCGTGAGGTAGCTCATGGCACAGGTCTGGTCGCCCCTGAAAGAAACCTGCCTGTGG-3'
Protein context (NP_112497.2, residues 722-742): QTCAMSYLTV[Leu732Phe]PRGMECVVFS

ClinVar aggregate classification (germline): Uncertain significance (1 of 4 stars; one submission).

Allele frequency attached by ClinVar (database versions not stated): TOPMed 0.00001.
gnomAD v4.1: 1 of 1,614,044 alleles (0.000062%); highest among the groups gnomAD compares: African/African-American, 0.0013%; no homozygotes.

Submission:

Labcorp Genetics (formerly Invitae), Labcorp
Classification: Uncertain significance. Last evaluated: 2019-11-05. Review status: criteria provided, single submitter. Criteria: Invitae Variant Classification Sherloc (09022015). Collection method: clinical testing. Allele origin: germline.
Comment: This sequence change replaces leucine with phenylalanine at codon 732 of the PITPNM3 protein (p.Leu732Phe). The leucine residue is highly conserved and there is a small physicochemical difference between leucine and phenylalanine. This variant is not present in population databases (ExAC no frequency). This variant has not been reported in the literature in individuals with PITPNM3-related conditions. Algorithms developed to predict the effect of missense changes on protein structure and function are either unavailable or do not agree on the potential impact of this missense change (SIFT: "Deleterious"; PolyPhen-2: "Probably Damaging"; Align-GVGD: "Class C0"). In summary, the available evidence is currently insufficient to determine the role of this variant in disease. Therefore, it has been classified as a Variant of Uncertain Significance.